The following is an entry in ClinVar:

NM_001267550.2(TTN):c.98706TCC[1] (p.Pro32904del)

Genes: TTN (titin; minus strand), TTN-AS1 (TTN antisense RNA 1; plus strand). Cytogenetic location: 2q31.2.
Variant type: Microsatellite.
Coding change: c.98706TCC[1] on transcript NM_001267550.2 (MANE Select); one copy of the 3-base unit TCC starting at c.98706; the reference has two copies in a row; one copy, 3 bases deleted.
Protein change: p.Pro32904del; deletes proline 32904.
Molecular consequence: non-coding transcript variant (on NR_038272.1).
Genome position (GRCh38, 1-based): chr2:178,539,224-178,539,226, GGA deleted on the plus strand (TCC on the coding strand, the reverse complement: TTN is on the minus strand); deleting any 3 consecutive bases within chr2:178,539,224-178,539,229 gives the same sequence; the position shown is the placement nearest the transcript's 3' end. VCF-style (leftmost placement, unchanged base first): chr2-178539223-TGGA-T. GRCh37 (hg19) VCF-style: chr2-179403950-TGGA-T.
Other names: p.Pro30336del; c.93783TCC[1], p.Pro31263del (NM_001256850.1); c.71511TCC[1], p.Pro23839del (NM_003319.4); c.91002TCC[1], p.Pro30336del (NM_133378.4); c.71886TCC[1], p.Pro23964del (NM_133432.3); c.72087TCC[1], p.Pro24031del (NM_133437.4); c.91005_91007del (NM_133378.4); short protein forms P23839del, P23964del, P24031del, P30336del, P31263del, P32904del.
Identifiers: ClinVar variation 3380859 (VCV003380859.1).

ClinVar aggregate classification (germline): Uncertain significance (1 of 4 stars; one submission).

Submission:

Mayo Clinic Laboratories, Mayo Clinic
Classification: Uncertain significance. Last evaluated: 2023-08-25. Review status: criteria provided, single submitter. Criteria: ACMG Guidelines, 2015. Collection method: clinical testing. Allele origin: germline. Observed: 1 variant allele.
Comment: PM4